The following is an entry in ClinVar:

NM_000196.4(HSD11B2):c.530C>A (p.Ala177Glu)

Gene: HSD11B2 (hydroxysteroid 11-beta dehydrogenase 2; plus strand). Cytogenetic location: 16q22.1.
Variant type: single nucleotide variant.
Coding change: c.530C>A on transcript NM_000196.4 (MANE Select); coding-DNA position 530, C replaced by A.
Protein change: p.Ala177Glu; replaces alanine 177 with glutamic acid.
Molecular consequence: missense variant.
Genome position (GRCh38, 1-based): chr16:67,436,008, C>A. VCF-style: chr16-67436008-C-A. GRCh37 (hg19) VCF-style: chr16-67469911-C-A.
Other names: short protein forms A177E.
Identifiers: ClinVar variation 3695435 (VCV003695435.2).

ClinVar aggregate classification (germline): Uncertain significance (1 of 4 stars; one submission).

Submission:

Labcorp Genetics (formerly Invitae), Labcorp
Classification: Uncertain significance. Last evaluated: 2024-12-16. Review status: criteria provided, single submitter. Criteria: Invitae Variant Classification Sherloc (09022015). Collection method: clinical testing. Allele origin: germline.
Comment: This sequence change replaces alanine, which is neutral and non-polar, with glutamic acid, which is acidic and polar, at codon 177 of the HSD11B2 protein (p.Ala177Glu). This variant is not present in population databases (gnomAD no frequency). This variant has not been reported in the literature in individuals affected with HSD11B2-related conditions. An algorithm developed to predict the effect of missense changes on protein structure and function (PolyPhen-2) suggests that this variant is likely to be disruptive. In summary, the available evidence is currently insufficient to determine the role of this variant in disease. Therefore, it has been classified as a Variant of Uncertain Significance.